The following is an entry in ClinVar:

NM_000059.4(BRCA2):c.7436-9C>T

Gene: BRCA2 (BRCA2 DNA repair associated; plus strand). Cytogenetic location: 13q13.1.
Variant type: single nucleotide variant.
Coding change: c.7436-9C>T on transcript NM_000059.4 (MANE Select); 9 bases into the intron before coding-DNA position 7436, C replaced by T.
Molecular consequence: intron variant.
Genome position (GRCh38, 1-based): chr13:32,356,419, C>T. VCF-style: chr13-32356419-C-T. GRCh37 (hg19) VCF-style: chr13-32930556-C-T.
Identifiers: ClinVar variation 1550693 (VCV001550693.9), dbSNP rs398122584, ClinGen allele CA1139771873.

ClinVar aggregate classification (germline): Likely benign. Review status: criteria provided, multiple submitters, no conflicts (2 of 4 stars). 2 submissions from 2 submitters: Likely benign (2). Last evaluated 2024-02-05.

Conditions:
Breast-ovarian cancer, familial, susceptibility to, 2 (BROVCA2). Also called: BRCA2 Hereditary Breast and Ovarian Cancer. Identifiers: Orphanet 145, MedGen C2675520, MONDO:0012933, OMIM 612555. Disease mechanism: loss of function.
Hereditary breast ovarian cancer syndrome. Also called: Hereditary breast and ovarian cancer syndrome (HBOC); Hereditary breast and/or ovarian cancer syndrome; Hereditary breast and ovarian cancer syndrome; Breast and ovarian cancer; Hereditary breast and ovarian cancer; BRCA1- and BRCA2-Associated Hereditary Breast and Ovarian Cancer. Identifiers: Orphanet 145, MedGen C0677776, MeSH D061325, MONDO:0003582. Disease mechanism: loss of function.

Submissions (2):

All of Us Research Program, National Institutes of Health
Classification: Likely benign for Breast-ovarian cancer, familial, susceptibility to, 2. Last evaluated: 2024-02-05. Review status: criteria provided, single submitter. Criteria: ACMG Guidelines, 2015. Collection method: clinical testing. Allele origin: germline. Inheritance: Autosomal dominant inheritance. Observed: 1 variant allele, 1 heterozygote.
Comment: This study involves interpretation of variants in research participants for the purpose of population health screening. Participant phenotype was not available at the time of variant classification. Additional details can be found in publication PMID: 35346344, PMCID: PMC8962531

Labcorp Genetics (formerly Invitae), Labcorp
Classification: Likely benign for Hereditary breast ovarian cancer syndrome. Last evaluated: 2021-04-13. Review status: criteria provided, single submitter. Criteria: Invitae Variant Classification Sherloc (09022015). Collection method: clinical testing. Allele origin: germline.